The following is an entry in ClinVar:

ClinVar aggregate classification (germline): Uncertain significance. Review status: criteria provided, multiple submitters, no conflicts (2 of 4 stars). 2 submissions from 2 submitters: Uncertain significance (2). Last evaluated 2025-04-02.

Conditions:
Inborn genetic diseases. Identifiers: MedGen C0950123, MeSH D030342.
Methylmalonic aciduria and homocystinuria type cblF. Also called: COBALAMIN F DISEASE; COBALAMIN, DEFECT IN LYSOSOMAL RELEASE OF; METHYLMALONIC ACIDEMIA AND HOMOCYSTINURIA, cblF TYPE; METHYLMALONIC ACIDURIA DUE TO VITAMIN B12-RELEASE DEFECT; VITAMIN B12 LYSOSOMAL RELEASE DEFECT; VITAMIN B12 STORAGE DISEASE. Identifiers: Orphanet 79284, MedGen C1848578, MONDO:0010183, OMIM 277380.

Allele frequency attached by ClinVar (database versions not stated): gnomAD exomes below 0.00001; TOPMed 0.00001; gnomAD 0.00002.
gnomAD v4.1: 9 of 1,609,592 alleles (0.00056%); highest among the groups gnomAD compares: East Asian, 0.0067%; no homozygotes.

Submissions (2):

Labcorp Genetics (formerly Invitae), Labcorp
Classification: Uncertain significance for Methylmalonic aciduria and homocystinuria type cblF. Last evaluated: 2025-04-02. Review status: criteria provided, single submitter. Criteria: Invitae Variant Classification Sherloc (09022015). Collection method: clinical testing. Allele origin: germline.
Comment: This sequence change replaces cysteine, which is neutral and slightly polar, with tyrosine, which is neutral and polar, at codon 111 of the LMBRD1 protein (p.Cys111Tyr). This variant is present in population databases (no rsID available, gnomAD 0.01%). This variant has not been reported in the literature in individuals affected with LMBRD1-related conditions. ClinVar contains an entry for this variant (Variation ID: 3119240). Invitae Evidence Modeling of protein sequence and biophysical properties (such as structural, functional, and spatial information, amino acid conservation, physicochemical variation, residue mobility, and thermodynamic stability) indicates that this missense variant is not expected to disrupt LMBRD1 protein function with a negative predictive value of 80%. In summary, the available evidence is currently insufficient to determine the role of this variant in disease. Therefore, it has been classified as a Variant of Uncertain Significance.

Ambry Genetics
Classification: Uncertain significance for Inborn genetic diseases. Last evaluated: 2023-09-26. Review status: criteria provided, single submitter. Criteria: Ambry Variant Classification Scheme 2023. Collection method: clinical testing. Allele origin: germline.

NM_018368.4(LMBRD1):c.332G>A (p.Cys111Tyr)

Gene: LMBRD1 (LMBR1 domain containing 1; minus strand). Cytogenetic location: 6q13.
Variant type: single nucleotide variant.
Coding change: c.332G>A on transcript NM_018368.4 (MANE Select); coding-DNA position 332, G replaced by A.
Protein change: p.Cys111Tyr; replaces cysteine 111 with tyrosine.
Molecular consequence: missense variant.
Genome position (GRCh38, 1-based): chr6:69,752,332, C>T on the plus strand (G>A on the coding strand, the complement: LMBRD1 is on the minus strand). VCF-style: chr6-69752332-C-T. GRCh37 (hg19) VCF-style: chr6-70462224-C-T.
Other names: c.113G>A, p.Cys38Tyr (NM_001363722.2, NM_001367271.1, NM_001367272.1); short protein forms C111Y, C38Y.
Identifiers: ClinVar variation 3119240 (VCV003119240.2), dbSNP rs897348539, ClinGen allele CA141184943.